The following is an entry in ClinVar:

NM_001206979.2(NR1H4):c.704_705del (p.Gln235fs)

Gene: NR1H4 (nuclear receptor subfamily 1 group H member 4; plus strand). Cytogenetic location: 12q23.1.
Variant type: Deletion.
Coding change: c.704_705del on transcript NM_001206979.2 (MANE Select); coding-DNA positions 704 to 705, 2 bases deleted (AA; older notation c.704_705delAA).
Protein change: p.Gln235fs; shifts the reading frame from glutamine 235.
Molecular consequence: frameshift variant. On other transcripts: non-coding transcript variant (1).
Genome position (GRCh38, 1-based): chr12:100,534,995-100,534,996, AA deleted. VCF-style (leftmost placement, unchanged base first): chr12-100534994-CAA-C. GRCh37 (hg19) VCF-style: chr12-100928772-CAA-C.
Other names: c.704_705del, p.Gln235fs (NM_001206977.2); c.551_552del, p.Gln184fs (NM_001206978.2); c.722_723del, p.Gln241fs (NM_001206992.2); c.734_735del, p.Gln245fs (NM_001206993.2); c.692_693del, p.Gln231fs (NM_005123.4); short protein forms Q235fs, Q245fs, Q184fs, Q241fs, Q231fs.
Identifiers: ClinVar variation 5001220 (VCV005001220.1).
Genomic context (GRCh38, chr12:100,534,994, plus strand): 5'-AATGTGAAGCAGCATGCAGATCAGACCGTGAATGAAGACAGTGAAGGTCGTGACTTGCGA[CAA>C]GTGACCTCGACAACAAAGTCATGCAGGGTAATAATATGCAATGGTGTCTGCCAAGACTGG-3'

ClinVar aggregate classification (germline): Likely pathogenic (1 of 4 stars; one submission).

Conditions:
NR1H4-related disorder. Also called: NR1H4-related condition.

Submission:

PreventionGenetics, part of Exact Sciences
Classification: Likely pathogenic for NR1H4-related condition. Last evaluated: 2024-11-13. Review status: criteria provided, single submitter. Criteria: ACMG Guidelines, 2015. Collection method: clinical testing. Allele origin: germline.
Comment: The NR1H4 c.692_693delAA variant is predicted to result in a frameshift and premature protein termination (p.Gln231Argfs*13). To our knowledge, this variant has not been reported in the literature or in a large population database (gnomAD), indicating this variant is rare. Frameshift variants in NR1H4 are expected to be pathogenic. This variant is interpreted as likely pathogenic.